The following is an entry in ClinVar:

ClinVar aggregate classification (germline): Pathogenic/Likely pathogenic. Review status: criteria provided, multiple submitters, no conflicts (2 of 4 stars). 2 submissions from 2 submitters: Pathogenic (1); Likely pathogenic (1). Last evaluated 2025-03-03.

Conditions:
Autosomal recessive FAT4-related disorders.

Submissions (2):

Variantyx, Inc.
Classification: Likely pathogenic for Autosomal recessive FAT4-related disorders. Last evaluated: 2025-03-03. Review status: criteria provided, single submitter. Criteria: Variantyx Assertion Criteria 2022. Collection method: clinical testing. Allele origin: germline. Inheritance: Autosomal recessive inheritance. Affected: no.
Comment: This is a nonsense variant in the FAT4 gene (OMIM: 612411). Pathogenic variants in this gene have been associated with autosomal recessive FAT4-related disorders. This variant introduces a premature termination codon in exon 10 out of 18 and is expected to result in loss of function, which is a known disease mechanism for FAT4 in this disorder (PMID: 24056717) (PVS1). This variant is absent from control populations (PM2). Based on the current evidence, this variant is classified as likely pathogenic for autosomal recessive FAT4-related disorders.

Labcorp Genetics (formerly Invitae), Labcorp
Classification: Pathogenic. Last evaluated: 2021-12-23. Review status: criteria provided, single submitter. Criteria: Invitae Variant Classification Sherloc (09022015). Collection method: clinical testing. Allele origin: germline.
Comment: This sequence change creates a premature translational stop signal (p.Glu2500*) in the FAT4 gene. It is expected to result in an absent or disrupted protein product. Loss-of-function variants in FAT4 are known to be pathogenic (PMID: 24056717, 24913602). This variant is not present in population databases (gnomAD no frequency). This variant has not been reported in the literature in individuals affected with FAT4-related conditions. For these reasons, this variant has been classified as Pathogenic.

Literature cited by the submitters: PubMed 24056717 (cited by Variantyx, Inc. and Labcorp Genetics (formerly Invitae), Labcorp); PubMed 24913602 (cited by Labcorp Genetics (formerly Invitae), Labcorp).

NM_001291303.3(FAT4):c.7504G>T (p.Glu2502Ter)

Gene: FAT4 (FAT atypical cadherin 4; plus strand). Cytogenetic location: 4q28.1.
Variant type: single nucleotide variant.
Coding change: c.7504G>T on transcript NM_001291303.3 (MANE Select); coding-DNA position 7504, G replaced by T.
Protein change: p.Glu2502Ter; replaces glutamic acid 2502 with a stop codon.
Molecular consequence: nonsense.
Genome position (GRCh38, 1-based): chr4:125,448,514, G>T. VCF-style: chr4-125448514-G-T. GRCh37 (hg19) VCF-style: chr4-126369669-G-T.
Other names: c.7504G>T, p.Glu2502Ter (NM_001291285.3); c.7498G>T, p.Glu2500Ter (NM_024582.6); short protein forms E2500*, E2502*.
Identifiers: ClinVar variation 2055844 (VCV002055844.1), dbSNP rs2530889102, ClinGen allele CA358140168.
Genomic context (GRCh38, chr4:125,448,514, plus strand): 5'-TTTATAGGTTCCTTTGTCTTTGCGGTTACAGTCACAGATGCTGATATTGGACCAAATTCT[G>T]AACTGCATTATTCTCTTTCGGGTAGAAATTCTGAAAAATTTCACATTGACCCACTGAGGG-3'